The following is an entry in ClinVar:

ClinVar aggregate classification (germline): Uncertain significance (1 of 4 stars; one submission).

Conditions:
Xeroderma pigmentosum, group F (XPF). Also called: XERODERMA PIGMENTOSUM, COMPLEMENTATION GROUP F; XERODERMA PIGMENTOSUM, TYPE F; Xeroderma pigmentosum, type 6; XERODERMA PIGMENTOSUM VI; XP, GROUP F; ERCC4-Related Xeroderma Pigmentosum. Identifiers: MedGen C0268140, MONDO:0010215, OMIM 278760.
Cockayne syndrome. Identifiers: Orphanet 191, MedGen C0009207, MONDO:0016006.
Fanconi anemia complementation group Q. Identifiers: Orphanet 84, MedGen C3808988, MONDO:0014108, OMIM 615272.

Submission:

Labcorp Genetics (formerly Invitae), Labcorp
Classification: Uncertain significance for Fanconi anemia complementation group Q; Xeroderma pigmentosum, group F; Cockayne syndrome. Last evaluated: 2024-04-25. Review status: criteria provided, single submitter. Criteria: Invitae Variant Classification Sherloc (09022015). Collection method: clinical testing. Allele origin: germline.
Comment: This sequence change replaces serine, which is neutral and polar, with asparagine, which is neutral and polar, at codon 728 of the ERCC4 protein (p.Ser728Asn). This variant is not present in population databases (gnomAD no frequency). This variant has not been reported in the literature in individuals affected with ERCC4-related conditions. Advanced modeling of protein sequence and biophysical properties (such as structural, functional, and spatial information, amino acid conservation, physicochemical variation, residue mobility, and thermodynamic stability) performed at Invitae indicates that this missense variant is expected to disrupt ERCC4 protein function with a positive predictive value of 80%. In summary, the available evidence is currently insufficient to determine the role of this variant in disease. Therefore, it has been classified as a Variant of Uncertain Significance.

NM_005236.3(ERCC4):c.2183G>A (p.Ser728Asn)

Gene: ERCC4 (ERCC excision repair 4, endonuclease catalytic subunit; plus strand). Cytogenetic location: 16p13.12.
Variant type: single nucleotide variant.
Coding change: c.2183G>A on transcript NM_005236.3 (MANE Select); coding-DNA position 2183, G replaced by A.
Protein change: p.Ser728Asn; replaces serine 728 with asparagine.
Molecular consequence: missense variant.
Genome position (GRCh38, 1-based): chr16:13,947,779, G>A. VCF-style: chr16-13947779-G-A. GRCh37 (hg19) VCF-style: chr16-14041636-G-A.
Other names: short protein forms S728N.
Identifiers: ClinVar variation 3763805 (VCV003763805.2).